The following is an entry in ClinVar:

ClinVar aggregate classification (germline): Likely benign (1 of 4 stars; one submission).

Allele frequency attached by ClinVar (database versions not stated): TOPMed 0.00009; gnomAD 0.00012; ExAC 0.00013; ESP Exome Variant Server 0.00031; 1000 Genomes Project 0.00040; 1000 Genomes Project 30x 0.00047.
gnomAD v4.1: 170 of 1,613,558 alleles (0.011%); highest among the groups gnomAD compares: Middle Eastern, 0.29%; 3 homozygotes.

Submission:

CeGaT Center for Human Genetics Tuebingen
Classification: Likely benign. Last evaluated: 2023-01-01. Review status: criteria provided, single submitter. Criteria: CeGaT Center For Human Genetics Tuebingen Variant Classification Criteria Version 2. Collection method: clinical testing. Allele origin: germline. Affected: yes. Observed: 1 variant allele.
Comment: CCDC74A: BP4, BP7

NM_001258306.3(CCDC74A):c.891G>A (p.Lys297=)

Gene: CCDC74A (coiled-coil domain containing 74A; plus strand). Cytogenetic location: 2q21.1.
Variant type: single nucleotide variant.
Coding change: c.891G>A on transcript NM_001258306.3 (MANE Select); coding-DNA position 891, G replaced by A.
Protein change: p.Lys297=; no amino-acid change (lysine 297 retained).
Molecular consequence: synonymous variant. On other transcripts: 3 prime UTR variant (6).
Genome position (GRCh38, 1-based): chr2:131,533,350, G>A. VCF-style: chr2-131533350-G-A. GRCh37 (hg19) VCF-style: chr2-132290923-G-A.
Other names: c.1080G>A, p.Lys360= (NM_001258304.3); c.*77G>A (NM_001258305.3, NM_001349041.2, NM_001349044.2 and 3 more transcripts); c.1215G>A, p.Lys405= (NM_001349042.2); c.1017G>A, p.Lys339= (NM_001349043.2); c.1089G>A, p.Lys363= (NM_138770.4).
Identifiers: ClinVar variation 2651376 (VCV002651376.24), dbSNP rs143761046, ClinGen allele CA1879532.